The following is an entry in ClinVar:

ClinVar aggregate classification (germline): Uncertain significance (1 of 4 stars; one submission).

gnomAD v4.1: 1 of 1,613,920 alleles (0.000062%); no homozygotes.

Submission:

GeneDx
Classification: Uncertain significance. Last evaluated: 2025-05-09. Review status: criteria provided, single submitter. Criteria: GeneDx Variant Classification Process June 2021. Collection method: clinical testing. Allele origin: germline. Affected: yes.
Comment: Not observed at significant frequency in large population cohorts (gnomAD); In silico analysis supports that this missense variant has a deleterious effect on protein structure/function; Has not been previously published as pathogenic or benign to our knowledge

NM_015378.4(VPS13D):c.2327C>T (p.Pro776Leu)

Gene: VPS13D (vacuolar protein sorting 13 homolog D; plus strand). Cytogenetic location: 1p36.22.
Variant type: single nucleotide variant.
Coding change: c.2327C>T on transcript NM_015378.4 (MANE Select); coding-DNA position 2327, C replaced by T.
Protein change: p.Pro776Leu; replaces proline 776 with leucine.
Molecular consequence: missense variant.
Genome position (GRCh38, 1-based): chr1:12,275,915, C>T. VCF-style: chr1-12275915-C-T. GRCh37 (hg19) VCF-style: chr1-12335972-C-T.
Other names: c.2327C>T, p.Pro776Leu (NM_018156.4); short protein forms P776L.
Identifiers: ClinVar variation 4528046 (VCV004528046.1).